The following is an entry in ClinVar:

NM_000786.4(CYP51A1):c.490A>T (p.Met164Leu)

Gene: CYP51A1 (cytochrome P450 family 51 subfamily A member 1; minus strand). Cytogenetic location: 7q21.2.
Variant type: single nucleotide variant.
Coding change: c.490A>T on transcript NM_000786.4 (MANE Select); coding-DNA position 490, A replaced by T.
Protein change: p.Met164Leu; replaces methionine 164 with leucine.
Molecular consequence: missense variant.
Genome position (GRCh38, 1-based): chr7:92,127,610, T>A on the plus strand (A>T on the coding strand, the complement: CYP51A1 is on the minus strand). VCF-style: chr7-92127610-T-A. GRCh37 (hg19) VCF-style: chr7-91756924-T-A.
Other names: c.175A>T, p.Met59Leu (NM_001146152.2); short protein forms M164L, M59L.
Identifiers: ClinVar variation 4799145 (VCV004799145.1).
Genomic context (GRCh38, chr7:92,127,610, plus strand): 5'-CTTTTTCAATTATAGAAACATGCTGTTTAAAGTGGGCTATGTTAAGGCCACTTTTTAACA[T>A]TTTCTTCTGCTCCAAGAAAACCTTCAAAAAAATTCAAAACGGGGATACGGCATTAAAACA-3'
Protein context (NP_000777.1, residues 154-174): PNPVFLEQKK[Met164Leu]LKSGLNIAHF

ClinVar aggregate classification (germline): Uncertain significance (1 of 4 stars; one submission).

Submission:

Labcorp Genetics (formerly Invitae), Labcorp
Classification: Uncertain significance. Last evaluated: 2025-06-13. Review status: criteria provided, single submitter. Criteria: Invitae Variant Classification Sherloc (09022015). Collection method: clinical testing. Allele origin: germline.
Comment: This sequence change replaces methionine, which is neutral and non-polar, with leucine, which is neutral and non-polar, at codon 164 of the CYP51A1 protein (p.Met164Leu). This variant is present in population databases (rs144068591, gnomAD 0.08%), and has an allele count higher than expected for a pathogenic variant. This variant has not been reported in the literature in individuals affected with CYP51A1-related conditions. An algorithm developed to predict the effect of missense changes on protein structure and function (PolyPhen-2) suggests that this variant is likely to be tolerated. In summary, the available evidence is currently insufficient to determine the role of this variant in disease. Therefore, it has been classified as a Variant of Uncertain Significance.